The following is an entry in ClinVar:

ClinVar aggregate classification (germline): Uncertain significance (1 of 4 stars; one submission).

Conditions:
Beckwith-Wiedemann syndrome (BWS). Also called: Exomphalos macroglossia gigantism syndrome; EMG SYNDROME. Identifiers: Orphanet 116, MedGen C0004903, MONDO:0007534, OMIM 130650.

Allele frequency attached by ClinVar (database versions not stated): gnomAD 0.00001; TOPMed 0.00001.

Submission:

Labcorp Genetics (formerly Invitae), Labcorp
Classification: Uncertain significance for Beckwith-Wiedemann syndrome. Last evaluated: 2023-08-14. Review status: criteria provided, single submitter. Criteria: Invitae Variant Classification Sherloc (09022015). Collection method: clinical testing. Allele origin: germline.
Comment: This sequence change replaces glutamine, which is neutral and polar, with histidine, which is basic and polar, at codon 309 of the CDKN1C protein (p.Gln309His). In summary, the available evidence is currently insufficient to determine the role of this variant in disease. Therefore, it has been classified as a Variant of Uncertain Significance. Advanced modeling of protein sequence and biophysical properties (such as structural, functional, and spatial information, amino acid conservation, physicochemical variation, residue mobility, and thermodynamic stability) has been performed at Invitae for this missense variant, however the output from this modeling did not meet the statistical confidence thresholds required to predict the impact of this variant on CDKN1C protein function. This variant has not been reported in the literature in individuals affected with CDKN1C-related conditions. This variant is not present in population databases (gnomAD no frequency).

NM_001122630.2(CDKN1C):c.894G>C (p.Gln298His)

Gene: CDKN1C (cyclin dependent kinase inhibitor 1C; minus strand). Cytogenetic location: 11p15.4.
Variant type: single nucleotide variant.
Coding change: c.894G>C on transcript NM_001122630.2 (MANE Select); coding-DNA position 894, G replaced by C.
Protein change: p.Gln298His; replaces glutamine 298 with histidine.
Molecular consequence: missense variant.
Genome position (GRCh38, 1-based): chr11:2,884,028, C>G on the plus strand (G>C on the coding strand, the complement: CDKN1C is on the minus strand). VCF-style: chr11-2884028-C-G. GRCh37 (hg19) VCF-style: chr11-2905258-C-G.
Other names: c.927G>C, p.Gln309His (NM_000076.2, NM_001362474.2); c.894G>C, p.Gln298His (NM_001122631.2); c.362G>C, p.Arg121Thr (NM_001362475.2); short protein forms Q298H, Q309H, R121T.
Identifiers: ClinVar variation 2875743 (VCV002875743.3), dbSNP rs1267363722, ClinGen allele CA379144722.